The following is an entry in ClinVar:

NM_000812.4(GABRB1):c.1128T>A (p.Asn376Lys)

Gene: GABRB1 (gamma-aminobutyric acid type A receptor subunit beta1; plus strand). Cytogenetic location: 4p12.
Variant type: single nucleotide variant.
Coding change: c.1128T>A on transcript NM_000812.4 (MANE Select); coding-DNA position 1128, T replaced by A.
Protein change: p.Asn376Lys; replaces asparagine 376 with lysine.
Molecular consequence: missense variant.
Genome position (GRCh38, 1-based): chr4:47,425,721, T>A. VCF-style: chr4-47425721-T-A. GRCh37 (hg19) VCF-style: chr4-47427738-T-A.
Other names: c.1128T>A (NM_000812.3); short protein forms N376K.
Identifiers: ClinVar variation 2578961 (VCV002578961.29), dbSNP rs200146996, ClinGen allele CA96624603.
Genomic context (GRCh38, chr4:47,425,721, plus strand): 5'-TTTTTGCCATCAGGTCGACGCCCACGGTAACATTCTCCTCAGCACCCTGGAAATCCGGAA[T>A]GAGACGAGTGGCTCGGAAGTGCTCACGAGCGTGAGCGACCCCAAGGCCACCATGTACTCC-3'
Protein context (NP_000803.2, residues 366-386): NILLSTLEIR[Asn376Lys]ETSGSEVLTS

ClinVar aggregate classification (germline): Uncertain significance. Review status: criteria provided, multiple submitters, no conflicts (2 of 4 stars). 3 submissions from 3 submitters: Uncertain significance (3). Last evaluated 2025-07-14.

Allele frequency attached by ClinVar (database versions not stated): gnomAD 0.00001; TOPMed 0.00001.
gnomAD v4.1: 22 of 1,613,754 alleles (0.0014%); highest among the groups gnomAD compares: Non-Finnish European, 0.0014%; no homozygotes.

Submissions (3):

Ambry Genetics
Classification: Uncertain significance. Last evaluated: 2025-07-14. Review status: criteria provided, single submitter. Criteria: Ambry Variant Classification Scheme 2023. Collection method: clinical testing. Allele origin: germline.

CeGaT Center for Human Genetics Tuebingen
Classification: Uncertain significance. Last evaluated: 2023-08-01. Review status: criteria provided, single submitter. Criteria: CeGaT Center For Human Genetics Tuebingen Variant Classification Criteria Version 2. Collection method: clinical testing. Allele origin: germline. Affected: yes. Observed: 1 variant allele.

Labcorp Genetics (formerly Invitae), Labcorp
Classification: Uncertain significance. Last evaluated: 2023-04-04. Review status: criteria provided, single submitter. Criteria: Invitae Variant Classification Sherloc (09022015). Collection method: clinical testing. Allele origin: germline.
Comment: In summary, the available evidence is currently insufficient to determine the role of this variant in disease. Therefore, it has been classified as a Variant of Uncertain Significance. Advanced modeling of protein sequence and biophysical properties (such as structural, functional, and spatial information, amino acid conservation, physicochemical variation, residue mobility, and thermodynamic stability) performed at Invitae indicates that this missense variant is not expected to disrupt GABRB1 protein function. This sequence change replaces asparagine, which is neutral and polar, with lysine, which is basic and polar, at codon 376 of the GABRB1 protein (p.Asn376Lys). This variant is not present in population databases (gnomAD no frequency). This variant has not been reported in the literature in individuals affected with GABRB1-related conditions.